The following is an entry in ClinVar:

ClinVar aggregate classification (germline): Benign. Review status: criteria provided, single submitter (1 of 4 stars). 2 submissions from 2 submitters: Benign (1). 1 of the submissions does not count toward it. Last evaluated 2019-12-31.

Conditions:
CAPN10-related disorder. Also called: CAPN10-related condition; CAPN10-related disorders.

Allele frequency attached by ClinVar (database versions not stated): 1000 Genomes Project 0.00180; 1000 Genomes Project 30x 0.00187; ESP Exome Variant Server 0.00201; TOPMed 0.00211; gnomAD exomes 0.00273 and 0.00332; gnomAD 0.00298 and 0.00315; ExAC 0.00650.
gnomAD v4.1: 5,178 of 1,594,110 alleles (0.32%); highest among the groups gnomAD compares: Non-Finnish European, 0.38%; 11 homozygotes.

Submissions (2):

Labcorp Genetics (formerly Invitae), Labcorp
Classification: Benign. Last evaluated: 2019-12-31. Review status: criteria provided, single submitter. Criteria: Invitae Variant Classification Sherloc (09022015). Collection method: clinical testing. Allele origin: germline.

PreventionGenetics, part of Exact Sciences
Classification: Likely benign for CAPN10-related condition. Last evaluated: 2019-06-14. Review status: no assertion criteria provided. Collection method: clinical testing. Allele origin: germline. Not counted in ClinVar's aggregate classification.
Comment: This variant is classified as likely benign based on ACMG/AMP sequence variant interpretation guidelines (Richards et al. 2015 PMID: 25741868, with internal and published modifications).

NM_023083.4(CAPN10):c.1745T>C (p.Val582Ala)

Gene: CAPN10 (calpain 10; plus strand). Cytogenetic location: 2q37.3.
Variant type: single nucleotide variant.
Coding change: c.1745T>C on transcript NM_023083.4 (MANE Select); coding-DNA position 1745, T replaced by C.
Protein change: p.Val582Ala; replaces valine 582 with alanine.
Molecular consequence: missense variant.
Genome position (GRCh38, 1-based): chr2:240,597,889, T>C. VCF-style: chr2-240597889-T-C. GRCh37 (hg19) VCF-style: chr2-241537306-T-C.
Other names: c.1280T>C, p.Val427Ala (NM_023085.4); short protein forms V582A, V427A.
Identifiers: ClinVar variation 733989 (VCV000733989.6), dbSNP rs114120181, ClinGen allele CA2205970.